The following is an entry in ClinVar:

ClinVar aggregate classification (germline): Uncertain significance (1 of 4 stars; one submission).

Allele frequency attached by ClinVar (database versions not stated): gnomAD exomes below 0.00001.

Submission:

Labcorp Genetics (formerly Invitae), Labcorp
Classification: Uncertain significance. Last evaluated: 2022-07-19. Review status: criteria provided, single submitter. Criteria: Invitae Variant Classification Sherloc (09022015). Collection method: clinical testing. Allele origin: germline.
Comment: In summary, the available evidence is currently insufficient to determine the role of this variant in disease. Therefore, it has been classified as a Variant of Uncertain Significance. Algorithms developed to predict the effect of missense changes on protein structure and function are either unavailable or do not agree on the potential impact of this missense change (SIFT: "Deleterious"; PolyPhen-2: "Benign"; Align-GVGD: "Class C65"). ClinVar contains an entry for this variant (Variation ID: 1482049). This missense change has been observed in individual(s) with clinical features of Bardet-Biedl syndrome (Invitae). This variant is present in population databases (no rsID available, gnomAD 0.003%). This sequence change replaces methionine, which is neutral and non-polar, with lysine, which is basic and polar, at codon 124 of the CEP19 protein (p.Met124Lys).

NM_032898.5(CEP19):c.359T>A (p.Met120Lys)

Gene: CEP19 (centrosomal protein 19; minus strand). Cytogenetic location: 3q29.
Variant type: single nucleotide variant.
Coding change: c.359T>A on transcript NM_032898.5 (MANE Select); coding-DNA position 359, T replaced by A.
Protein change: p.Met120Lys; replaces methionine 120 with lysine.
Molecular consequence: missense variant.
Genome position (GRCh38, 1-based): chr3:196,707,684, A>T on the plus strand (T>A on the coding strand, the complement: CEP19 is on the minus strand). VCF-style: chr3-196707684-A-T. GRCh37 (hg19) VCF-style: chr3-196434555-A-T.
Other names: c.254T>A, p.Met85Lys (NM_001379468.1); c.359T>A, p.Met120Lys (NM_001379469.1, NM_001379470.1); short protein forms M120K, M85K.
Identifiers: ClinVar variation 1482049 (VCV001482049.8), dbSNP rs1197698186, ClinGen allele CA355634194.